The following is an entry in ClinVar:

NM_001165963.4(SCN1A):c.5263G>A (p.Asp1755Asn)

Genes: SCN1A (sodium voltage-gated channel alpha subunit 1; minus strand), LOC102724058 (uncharacterized LOC102724058; plus strand). Cytogenetic location: 2q24.3.
Variant type: single nucleotide variant.
Coding change: c.5263G>A on transcript NM_001165963.4 (MANE Select); coding-DNA position 5263, G replaced by A.
Protein change: p.Asp1755Asn; replaces aspartic acid 1755 with asparagine.
Molecular consequence: missense variant. On other transcripts: non-coding transcript variant (1).
Genome position (GRCh38, 1-based): chr2:165,992,012, C>T on the plus strand (G>A on the coding strand, the complement: SCN1A is on the minus strand). VCF-style: chr2-165992012-C-T. GRCh37 (hg19) VCF-style: chr2-166848522-C-T.
Other names: c.5227G>A, p.Asp1743Asn (NM_001353955.2, NM_001353954.2); c.5179G>A, p.Asp1727Asn (NM_001353957.2, NM_001353958.2, NM_001165964.3); c.5176G>A, p.Asp1726Asn (NM_001353960.2); c.2821G>A, p.Asp941Asn (NM_001353961.2); c.5230G>A, p.Asp1744Asn (NM_006920.6, NM_001353949.2, NM_001353950.2 and 2 more transcripts); c.5263G>A, p.Asp1755Asn (NM_001202435.3, NM_001353948.2); short protein forms D1726N, D1727N, D1743N, D1744N, D1755N, D941N.
Identifiers: ClinVar variation 2500082 (VCV002500082.2), dbSNP rs927722314, ClinGen allele CA59798488.
Genomic context (GRCh38, chr2:165,992,012, plus strand): 5'-GGAAGGATATGATGATGTAACTGACAAAAAAGAAAATTCCAACAGATGGGTTCCCACAGT[C>T]TCCCTTAACTGAGCTTCCAGGGTTAACTTTATTAGGGTCACAGTCGGGTGGCTTACTGTT-3'
Protein context (NP_001159435.1, residues 1745-1765): KVNPGSSVKG[Asp1755Asn]CGNPSVGIFF

ClinVar aggregate classification (germline): Uncertain significance (1 of 4 stars; one submission).

Conditions:
Migraine, familial hemiplegic, 3. Identifiers: Orphanet 569, MedGen C1864987, MONDO:0012320, OMIM 609634.
Generalized epilepsy with febrile seizures plus, type 2 (GEFSP2). Also called: GEFS+, TYPE 2. Identifiers: Orphanet 36387, MedGen C1858673, MONDO:0011461, OMIM 604403.
Developmental and epileptic encephalopathy 6B. Also called: Developmental and epileptic encephalopathy 6B, non-Dravet. Identifiers: MedGen C5543353, MONDO:0030268, OMIM 619317.
Severe myoclonic epilepsy in infancy (DRVT). Also called: SEVERE MYOCLONIC EPILEPSY OF INFANCY; DEVELOPMENTAL AND EPILEPTIC ENCEPHALOPATHY 6A; Severe Myoclonic Epilepsy in Infancy (SMEI); Dravet syndrome; Epileptic encephalopathy, early infantile, 6 (Dravet syndrome). Identifiers: Orphanet 33069, MedGen C0751122, MONDO:0100135, OMIM 607208.

Allele frequency attached by ClinVar (database versions not stated): TOPMed below 0.00001; gnomAD 0.00001.
gnomAD v4.1: 1 of 1,613,912 alleles (0.000062%); highest among the groups gnomAD compares: African/African-American, 0.0013%; no homozygotes.

Submission:

Center for Genomics, Ann and Robert H. Lurie Children's Hospital of Chicago
Classification: Uncertain significance for Developmental and epileptic encephalopathy 6B; Migraine, familial hemiplegic, 3; Severe myoclonic epilepsy in infancy; Generalized epilepsy with febrile seizures plus, type 2. Review status: criteria provided, single submitter. Criteria: ACMG Guidelines, 2015. Collection method: clinical testing. Allele origin: germline.
Comment: SCN1A NM_001165963.1 exon 26 p.Asp1755Asn (c.5263G>A): This variant has not been reported in the literature and is not present in large control databases. Evolutionary conservation and computational predictive tools for this variant are unclear. In summary, data on this variant is insufficient for disease classification. Therefore, the clinical significance of this variant is uncertain.